The following is an entry in ClinVar:

ClinVar aggregate classification (germline): Likely benign (1 of 4 stars; one submission).

Allele frequency attached by ClinVar (database versions not stated): TOPMed 0.00006; gnomAD 0.00010; 1000 Genomes Project 30x 0.00047; ExAC 0.00058; 1000 Genomes Project 0.00060.
gnomAD v4.1: 506 of 1,612,996 alleles (0.031%); highest among the groups gnomAD compares: South Asian, 0.52%; 3 homozygotes.

Submission:

CeGaT Center for Human Genetics Tuebingen
Classification: Likely benign. Last evaluated: 2023-03-01. Review status: criteria provided, single submitter. Criteria: CeGaT Center For Human Genetics Tuebingen Variant Classification Criteria Version 2. Collection method: clinical testing. Allele origin: germline. Affected: yes. Observed: 1 variant allele.
Comment: AHNAK: BP4, BS2

NM_001620.3(AHNAK):c.14152G>T (p.Ala4718Ser)

Gene: AHNAK (AHNAK nucleoprotein; minus strand). Cytogenetic location: 11q12.3.
Variant type: single nucleotide variant.
Coding change: c.14152G>T on transcript NM_001620.3 (MANE Select); coding-DNA position 14152, G replaced by T.
Protein change: p.Ala4718Ser; replaces alanine 4718 with serine.
Molecular consequence: missense variant. On other transcripts: intron variant (1).
Genome position (GRCh38, 1-based): chr11:62,520,265, C>A on the plus strand (G>T on the coding strand, the complement: AHNAK is on the minus strand). VCF-style: chr11-62520265-C-A. GRCh37 (hg19) VCF-style: chr11-62287737-C-A.
Other names: c.342+14738G>T (NM_024060.4); c.14152G>T, p.Ala4718Ser (NM_001346445.2, NM_001346446.2); short protein forms A4718S.
Identifiers: ClinVar variation 2641859 (VCV002641859.24), dbSNP rs554290530, ClinGen allele CA6044285.